The following is an entry in ClinVar:

NM_005633.4(SOS1):c.429G>A (p.Lys143=)

Gene: SOS1 (SOS Ras/Rac guanine nucleotide exchange factor 1; minus strand). Cytogenetic location: 2p22.1.
Variant type: single nucleotide variant.
Coding change: c.429G>A on transcript NM_005633.4 (MANE Select); coding-DNA position 429, G replaced by A.
Protein change: p.Lys143=; no amino-acid change (lysine 143 retained).
Molecular consequence: synonymous variant.
Genome position (GRCh38, 1-based): chr2:39,056,783, C>T on the plus strand (G>A on the coding strand, the complement: SOS1 is on the minus strand). VCF-style: chr2-39056783-C-T. GRCh37 (hg19) VCF-style: chr2-39283924-C-T.
Other names: c.408G>A, p.Lys136= (NM_001382394.1); c.429G>A, p.Lys143= (NM_001382395.1).
Identifiers: ClinVar variation 1143950 (VCV001143950.16), dbSNP rs773264070, ClinGen allele CA1624792.

ClinVar aggregate classification (germline): Likely benign. Review status: criteria provided, multiple submitters, no conflicts (2 of 4 stars). 8 submissions from 7 submitters: Likely benign (8). Last evaluated 2025-11-09.

Conditions:
RASopathy. Also called: rasopathies; Noonan spectrum disorder. Identifiers: Orphanet 536391, MedGen C5555857, MONDO:0021060.
Noonan syndrome 4 (NS4). Also called: SOS1-Related Noonan Syndrome; NOONAN SYNDROME WITH PIGMENTED VILLONODULAR SYNOVITIS. Identifiers: Orphanet 648, MedGen C1853120, MONDO:0012547, OMIM 610733.
Fibromatosis, gingival, 1 (GINGF1). Identifiers: Orphanet 2024, MedGen C4551558, MONDO:0007609, OMIM 135300.
Cardiovascular phenotype. Identifiers: MedGen CN230736.
SOS1-related disorder. Also called: SOS1-related condition.

Allele frequency attached by ClinVar (database versions not stated): ExAC 0.00001; gnomAD 0.00001; gnomAD exomes 0.00001; TOPMed 0.00001.
gnomAD v4.1: 14 of 1,599,388 alleles (0.00088%); highest among the groups gnomAD compares: Non-Finnish European, 0.0011%; no homozygotes.

Submissions (8):

Labcorp Genetics (formerly Invitae), Labcorp
Classification: Likely benign for RASopathy. Last evaluated: 2025-11-09. Review status: criteria provided, single submitter. Criteria: Invitae Variant Classification Sherloc (09022015). Collection method: clinical testing. Allele origin: germline.

PreventionGenetics, part of Exact Sciences
Classification: Likely benign for SOS1-related condition. Last evaluated: 2025-10-11. Review status: criteria provided, single submitter. Criteria: ACMG Guidelines, 2015. Collection method: clinical testing. Allele origin: germline.
Comment: This variant is classified as likely benign based on ACMG/AMP sequence variant interpretation guidelines (Richards et al. 2015 PMID: 25741868, with internal and published modifications).

Blueprint Genetics
Classification: Likely benign. Last evaluated: 2024-01-18. Review status: criteria provided, single submitter. Criteria: ACMG Guidelines, 2015. Collection method: clinical testing. Allele origin: germline.

Women's Health and Genetics/Laboratory Corporation of America, LabCorp
Classification: Likely benign. Last evaluated: 2023-09-18. Review status: criteria provided, single submitter. Criteria: LabCorp Variant Classification Summary - May 2015. Collection method: clinical testing. Allele origin: germline.

Ambry Genetics
Classification: Likely benign for Cardiovascular phenotype. Last evaluated: 2022-12-16. Review status: criteria provided, single submitter. Criteria: Ambry Variant Classification Scheme 2023. Collection method: clinical testing. Allele origin: germline.

GeneDx
Classification: Likely benign. Last evaluated: 2020-11-04. Review status: criteria provided, single submitter. Criteria: GeneDx Variant Classification Process June 2021. Collection method: clinical testing. Allele origin: germline. Affected: yes.

Genome-Nilou Lab
Classification: Likely benign for Noonan syndrome 4. Review status: criteria provided, single submitter. Criteria: ACMG Guidelines, 2015. Collection method: clinical testing. Allele origin: germline.

Genome-Nilou Lab
Classification: Likely benign for Fibromatosis, gingival, 1. Review status: criteria provided, single submitter. Criteria: ACMG Guidelines, 2015. Collection method: clinical testing. Allele origin: germline.